The following is an entry in ClinVar:

NM_019892.6(INPP5E):c.431G>A (p.Arg144His)

Gene: INPP5E (inositol polyphosphate-5-phosphatase E; minus strand). Cytogenetic location: 9q34.3.
Variant type: single nucleotide variant.
Coding change: c.431G>A on transcript NM_019892.6 (MANE Select); coding-DNA position 431, G replaced by A.
Protein change: p.Arg144His; replaces arginine 144 with histidine.
Molecular consequence: missense variant.
Genome position (GRCh38, 1-based): chr9:136,438,989, C>T on the plus strand (G>A on the coding strand, the complement: INPP5E is on the minus strand). VCF-style: chr9-136438989-C-T. GRCh37 (hg19) VCF-style: chr9-139333441-C-T.
Other names: c.431G>A, p.Arg144His (NM_001318502.2); short protein forms R144H.
Identifiers: ClinVar variation 2131245 (VCV002131245.4), dbSNP rs868636012, ClinGen allele CA375569064.

ClinVar aggregate classification (germline): Uncertain significance (1 of 4 stars; one submission).

Conditions:
Joubert syndrome. Also called: CEREBELLOPARENCHYMAL DISORDER IV; JOUBERT-BOLTSHAUSER SYNDROME; Familial aplasia of the vermis. Identifiers: Orphanet 475, MedGen C5979921, MONDO:0018772.

Allele frequency attached by ClinVar (database versions not stated): gnomAD exomes below 0.00001.
gnomAD v4.1: 1 of 1,585,136 alleles (0.000063%); highest among the groups gnomAD compares: Non-Finnish European, 0.000086%; no homozygotes.

Submission:

Labcorp Genetics (formerly Invitae), Labcorp
Classification: Uncertain significance for Joubert syndrome. Last evaluated: 2022-05-20. Review status: criteria provided, single submitter. Criteria: Invitae Variant Classification Sherloc (09022015). Collection method: clinical testing. Allele origin: germline.
Comment: In summary, the available evidence is currently insufficient to determine the role of this variant in disease. Therefore, it has been classified as a Variant of Uncertain Significance. Advanced modeling of protein sequence and biophysical properties (such as structural, functional, and spatial information, amino acid conservation, physicochemical variation, residue mobility, and thermodynamic stability) performed at Invitae indicates that this missense variant is not expected to disrupt INPP5E protein function. This variant has not been reported in the literature in individuals affected with INPP5E-related conditions. This variant is not present in population databases (gnomAD no frequency). This sequence change replaces arginine, which is basic and polar, with histidine, which is basic and polar, at codon 144 of the INPP5E protein (p.Arg144His).